The following is an entry in ClinVar:

NC_000011.10:g.5226570_5233984del

Genes: HBB (hemoglobin subunit beta; minus strand), HBD (hemoglobin subunit delta; minus strand), LOC106099062 (HBB recombination region; plus strand), LOC106099063 (HBD recombination region; plus strand), LOC107133510 (origin of replication at HBB; plus strand) and 1 more. Cytogenetic location: 11p15.4.
Variant type: Deletion.
Genome position: GRCh38: chr11:5,226,570-5,233,984. GRCh37 (hg19): chr11:5,247,800-5,255,214.
Other names: HBD87/HBB116 FUSION; Hb Lepore-Boston-Washington; Hemglobin Lepore Augusta; Hemoglobin Pylos.
Identifiers: ClinVar variation 15061 (VCV000015061.5), ClinGen allele CA124670.

ClinVar aggregate classification (germline): Pathogenic. Review status: criteria provided, single submitter (1 of 4 stars). 3 submissions from 2 submitters: Pathogenic (2). 1 of the submissions does not count toward it. Last evaluated 2016-01-01.

Conditions:
alpha Thalassemia. Also called: Alpha thalassemia spectrum. Identifiers: Orphanet 846, MedGen C0002312, MONDO:0011399, OMIM 604131.
Hemoglobin Lepore trait. Identifiers: MedGen C0472769.
Abnormal hemoglobin. Identifiers: MedGen C0349705, HP:0011902.
Persistence of hemoglobin F. Identifiers: MedGen C0239941, HP:0011904.
Reduced beta/alpha synthesis ratio. Identifiers: MedGen C4023137, HP:0011906.
Anemia. Also called: Anemia (disease). Identifiers: MedGen C0002871, MONDO:0002280, HP:0001903.

Submissions (3):

Centre for Mendelian Genomics, University Medical Centre Ljubljana
Classification: Pathogenic for alpha Thalassemia. Last evaluated: 2016-01-01. Review status: criteria provided, single submitter. Criteria: ACMG Guidelines, 2015. Collection method: clinical testing. Allele origin: unknown. Affected: yes.
Comment: This variant was classified as: Pathogenic.

Centre for Mendelian Genomics, University Medical Centre Ljubljana
Classification: Pathogenic for Abnormal hemoglobin; Anemia; Persistence of hemoglobin F; Reduced beta/alpha synthesis ratio. Last evaluated: 2014-09-12. Review status: criteria provided, single submitter. Criteria: ACMG Guidelines, 2015. Collection method: clinical testing. Allele origin: unknown. Affected: yes.

OMIM
Classification: Pathogenic for HEMOGLOBIN LEPORE (BOSTON). Last evaluated: 1992-04-01. Review status: no assertion criteria provided. Collection method: literature only. Allele origin: germline. Not counted in ClinVar's aggregate classification.

Literature cited by the submitters: PubMed 5964983 (cited by OMIM); PubMed 2442092 (cited by OMIM); PubMed 5660684 (cited by OMIM); PubMed 13892631 (cited by OMIM); PubMed 14133899 (cited by OMIM); PubMed 4625560 (cited by OMIM); PubMed 1693293 (cited by OMIM); PubMed 1347969 (cited by OMIM).